The following is an entry in ClinVar:

NM_002528.7(NTHL1):c.359G>A (p.Arg120His)

Gene: NTHL1 (nth like DNA glycosylase 1; minus strand). Cytogenetic location: 16p13.3.
Variant type: single nucleotide variant.
Coding change: c.359G>A on transcript NM_002528.7 (MANE Select); coding-DNA position 359, G replaced by A.
Protein change: p.Arg120His; replaces arginine 120 with histidine.
Molecular consequence: missense variant. On other transcripts: intron variant (1).
Genome position (GRCh38, 1-based): chr16:2,044,796, C>T on the plus strand (G>A on the coding strand, the complement: NTHL1 is on the minus strand). VCF-style: chr16-2044796-C-T. GRCh37 (hg19) VCF-style: chr16-2094797-C-T.
Other names: c.29G>A, p.Arg10His (NM_001318194.2); c.355-1070G>A (NM_001318193.2); c.359G>A, p.Arg120His (LRG_1366t1); short protein forms R10H, R120H.
Identifiers: ClinVar variation 639039 (VCV000639039.18), dbSNP rs1324289477, ClinGen allele CA394294794.

ClinVar aggregate classification (germline): Uncertain significance. Review status: criteria provided, multiple submitters, no conflicts (2 of 4 stars). 4 submissions from 4 submitters: Uncertain significance (4). Last evaluated 2025-11-07.

Conditions:
Hereditary cancer-predisposing syndrome. Also called: Neoplastic Syndromes, Hereditary; Tumor predisposition; Hereditary Cancer Syndrome; Hereditary neoplastic syndrome. Identifiers: Orphanet 140162, MedGen C0027672, MeSH D009386, MONDO:0015356.

Allele frequency attached by ClinVar (database versions not stated): TOPMed 0.00002.
gnomAD v4.1: 15 of 1,603,714 alleles (0.00094%); highest among the groups gnomAD compares: Middle Eastern, 0.017%; no homozygotes.

Submissions (4):

Quest Diagnostics Nichols Institute San Juan Capistrano
Classification: Uncertain significance. Last evaluated: 2025-11-07. Review status: criteria provided, single submitter. Criteria: Quest Diagnostics criteria. Collection method: clinical testing. Allele origin: unknown.
Comment: The NTHL1 c.383G>A (p.Arg128His) variant has not been reported in individuals with NTHL1-related conditions in the published literature. The frequency of this variant in the general population (Genome Aggregation Database) is uninformative in the assessment of its pathogenicity. Analysis of this variant using bioinformatics tools for the prediction of the effect of amino acid changes on protein structure and function yielded predictions that this variant is benign. Based on the available information, we are unable to determine the clinical significance of this variant.

Labcorp Genetics (formerly Invitae), Labcorp
Classification: Uncertain significance. Last evaluated: 2025-10-14. Review status: criteria provided, single submitter. Criteria: Invitae Variant Classification Sherloc (09022015). Collection method: clinical testing. Allele origin: germline.
Comment: This sequence change replaces arginine, which is basic and polar, with histidine, which is basic and polar, at codon 128 of the NTHL1 protein (p.Arg128His). This variant is not present in population databases (gnomAD no frequency). This variant has not been reported in the literature in individuals affected with NTHL1-related conditions. ClinVar contains an entry for this variant (Variation ID: 639039). An algorithm developed to predict the effect of missense changes on protein structure and function (PolyPhen-2) suggests that this variant is likely to be tolerated. In summary, the available evidence is currently insufficient to determine the role of this variant in disease. Therefore, it has been classified as a Variant of Uncertain Significance.

Ambry Genetics
Classification: Uncertain significance for Hereditary cancer-predisposing syndrome. Last evaluated: 2025-06-22. Review status: criteria provided, single submitter. Criteria: Ambry Variant Classification Scheme 2023. Collection method: clinical testing. Allele origin: germline.
Comment: The p.R128H variant (also known as c.383G>A), located in coding exon 3 of the NTHL1 gene, results from a G to A substitution at nucleotide position 383. The arginine at codon 128 is replaced by histidine, an amino acid with highly similar properties. This amino acid position is not well conserved in available vertebrate species. In addition, this alteration is predicted to be tolerated by in silico analysis. Since supporting evidence is limited at this time, the clinical significance of this alteration remains unclear.

GeneDx
Classification: Uncertain significance. Last evaluated: 2022-07-15. Review status: criteria provided, single submitter. Criteria: GeneDx Variant Classification Process June 2021. Collection method: clinical testing. Allele origin: germline. Affected: yes.
Comment: Not observed at significant frequency in large population cohorts (gnomAD); In silico analysis supports that this missense variant does not alter protein structure/function; Has not been previously published as pathogenic or benign to our knowledge